The following is an entry in ClinVar:

NM_021098.3(CACNA1H):c.3317G>A (p.Gly1106Asp)

Gene: CACNA1H (calcium voltage-gated channel subunit alpha1 H; plus strand). Cytogenetic location: 16p13.3.
Variant type: single nucleotide variant.
Coding change: c.3317G>A on transcript NM_021098.3 (MANE Select); coding-DNA position 3317, G replaced by A.
Protein change: p.Gly1106Asp; replaces glycine 1106 with aspartic acid.
Molecular consequence: missense variant.
Genome position (GRCh38, 1-based): chr16:1,208,175, G>A. VCF-style: chr16-1208175-G-A. GRCh37 (hg19) VCF-style: chr16-1258175-G-A.
Other names: c.3317G>A, p.Gly1106Asp (NM_001005407.2); short protein forms G1106D.
Identifiers: ClinVar variation 1996990 (VCV001996990.4), dbSNP rs1193602568, ClinGen allele CA394172274.
Genomic context (GRCh38, chr16:1,208,175, plus strand): 5'-CTACCCCCAAGAGCTCACCATTCCTGGATGCAGCCCCCAGCCTCCCAGACTCTCGGCGTG[G>A]CAGCAGCAGCTCCGGGGACCCGCCACTGGGAGACCAGAAGCCTCCGGTAGGGACCATCTC-3'
Protein context (NP_066921.2, residues 1096-1116): AAPSLPDSRR[Gly1106Asp]SSSSGDPPLG

ClinVar aggregate classification (germline): Uncertain significance (1 of 4 stars; one submission).

Conditions:
Idiopathic generalized epilepsy. Also called: EIG; Generalised epilepsy. Identifiers: MedGen C0270850, MONDO:0005579, OMIM 600669.
Hyperaldosteronism, familial, type IV (HALD4). Also called: FH IV; ALDOSTERONISM, PRIMARY, AND HYPERTENSION. Identifiers: Orphanet 642671, MedGen C4310756, MONDO:0014875, OMIM 617027.

Allele frequency attached by ClinVar (database versions not stated): gnomAD exomes below 0.00001.

Submission:

Labcorp Genetics (formerly Invitae), Labcorp
Classification: Uncertain significance for Idiopathic generalized epilepsy; Hyperaldosteronism, familial, type IV. Last evaluated: 2023-12-11. Review status: criteria provided, single submitter. Criteria: Invitae Variant Classification Sherloc (09022015). Collection method: clinical testing. Allele origin: germline.
Comment: This sequence change replaces glycine, which is neutral and non-polar, with aspartic acid, which is acidic and polar, at codon 1106 of the CACNA1H protein (p.Gly1106Asp). This variant is not present in population databases (gnomAD no frequency). This variant has not been reported in the literature in individuals affected with CACNA1H-related conditions. ClinVar contains an entry for this variant (Variation ID: 1996990). Advanced modeling of protein sequence and biophysical properties (such as structural, functional, and spatial information, amino acid conservation, physicochemical variation, residue mobility, and thermodynamic stability) performed at Invitae indicates that this missense variant is not expected to disrupt CACNA1H protein function with a negative predictive value of 80%. In summary, the available evidence is currently insufficient to determine the role of this variant in disease. Therefore, it has been classified as a Variant of Uncertain Significance.